The following is an entry in ClinVar:

NM_000540.3(RYR1):c.3279_3291del (p.Val1094fs)

Gene: RYR1 (ryanodine receptor 1; plus strand). Cytogenetic location: 19q13.2.
Variant type: Deletion.
Coding change: c.3279_3291del on transcript NM_000540.3 (MANE Select); coding-DNA positions 3279 to 3291, 13 bases deleted (AGTCACCACAGGC).
Protein change: p.Val1094fs; shifts the reading frame from valine 1094.
Molecular consequence: frameshift variant.
Genome position (GRCh38, 1-based): chr19:38,467,710-38,467,722, AGTCACCACAGGC deleted; deleting any 13 consecutive bases within chr19:38,467,708-38,467,722 gives the same sequence; the c. name uses the placement nearest the transcript's 3' end. VCF-style (leftmost placement, unchanged base first): chr19-38467707-AGCAGTCACCACAG-A. GRCh37 (hg19) VCF-style: chr19-38958347-AGCAGTCACCACAG-A.
Other names: c.3279_3291del, p.Val1094fs (NM_001042723.2); short protein forms V1094fs.
Identifiers: ClinVar variation 2756902 (VCV002756902.3), dbSNP rs2514102015, ClinGen allele CA2697556494.

ClinVar aggregate classification (germline): Pathogenic (1 of 4 stars; one submission).

Conditions:
RYR1-related disorder. Also called: RYR1-related condition; RYR1-related disorders. Identifiers: MedGen CN239331.

Submission:

Labcorp Genetics (formerly Invitae), Labcorp
Classification: Pathogenic for RYR1-related disorder. Last evaluated: 2023-08-31. Review status: criteria provided, single submitter. Criteria: Invitae Variant Classification Sherloc (09022015). Collection method: clinical testing. Allele origin: germline.
Comment: This sequence change creates a premature translational stop signal (p.Val1094Argfs*11) in the RYR1 gene. It is expected to result in an absent or disrupted protein product. Loss-of-function variants in RYR1 are known to be pathogenic (PMID: 23919265, 25960145, 28818389, 30611313). For these reasons, this variant has been classified as Pathogenic. Algorithms developed to predict the effect of sequence changes on RNA splicing suggest that this variant may disrupt the consensus splice site. This variant has not been reported in the literature in individuals affected with RYR1-related conditions. This variant is not present in population databases (gnomAD no frequency).

Literature cited by the submitters: PubMed 23919265; PubMed 25960145; PubMed 28818389; PubMed 30611313.